The following is an entry in ClinVar:

ClinVar aggregate classification (germline): Benign/Likely benign. Review status: criteria provided, multiple submitters, no conflicts (2 of 4 stars). 7 submissions from 7 submitters: Benign (1); Likely benign (3). 3 of the submissions do not count toward it. Last evaluated 2025-07-01.

Conditions:
LINS1-related disorder. Also called: LINS1-related condition.
Inborn genetic diseases. Identifiers: MedGen C0950123, MeSH D030342.

Allele frequency attached by ClinVar (database versions not stated): gnomAD exomes 0.00020 and 0.00068; ExAC 0.00080; gnomAD 0.00208 and 0.00213; TOPMed 0.00211; ESP Exome Variant Server 0.00277; 1000 Genomes Project 0.00319; 1000 Genomes Project 30x 0.00328.
gnomAD v4.1: 615 of 1,613,926 alleles (0.038%); highest among the groups gnomAD compares: African/African-American, 0.63%; 3 homozygotes.

Submissions (7):

CeGaT Center for Human Genetics Tuebingen
Classification: Likely benign. Last evaluated: 2025-07-01. Review status: criteria provided, single submitter. Criteria: CeGaT Center For Human Genetics Tuebingen Variant Classification Criteria Version 2. Collection method: clinical testing. Allele origin: germline. Affected: yes. Observed: 1 variant allele.
Comment: LINS1: BP4

Ambry Genetics
Classification: Likely benign for Inborn genetic diseases. Last evaluated: 2022-02-04. Review status: criteria provided, single submitter. Criteria: Ambry Variant Classification Scheme 2023. Collection method: clinical testing. Allele origin: germline.

Labcorp Genetics (formerly Invitae), Labcorp
Classification: Likely benign. Last evaluated: 2019-12-31. Review status: criteria provided, single submitter. Criteria: Invitae Variant Classification Sherloc (09022015). Collection method: clinical testing. Allele origin: germline.

Genetic Services Laboratory, University of Chicago
Classification: Benign. Last evaluated: 2015-11-19. Review status: criteria provided, single submitter. Criteria: ACMG Guidelines, 2015. Collection method: clinical testing. Allele origin: germline. Affected: no.

PreventionGenetics, part of Exact Sciences
Classification: Likely benign for LINS1-related condition. Last evaluated: 2019-03-21. Review status: no assertion criteria provided. Collection method: clinical testing. Allele origin: germline. Not counted in ClinVar's aggregate classification.
Comment: This variant is classified as likely benign based on ACMG/AMP sequence variant interpretation guidelines (Richards et al. 2015 PMID: 25741868, with internal and published modifications).

Clinical Genetics DNA and cytogenetics Diagnostics Lab, Erasmus MC, Erasmus Medical Center
Classification: Likely benign. Review status: no assertion criteria provided. Collection method: clinical testing. Allele origin: germline. Affected: yes. Study: VKGL Data-share Consensus. Not counted in ClinVar's aggregate classification.

Laboratory of Diagnostic Genome Analysis, Leiden University Medical Center (LUMC)
Classification: Likely benign. Review status: no assertion criteria provided. Collection method: clinical testing. Allele origin: germline. Affected: yes. Study: VKGL Data-share Consensus. Not counted in ClinVar's aggregate classification.

NM_001040616.3(LINS1):c.2119G>A (p.Gly707Arg)

Gene: LINS1 (lines homolog 1; minus strand). Cytogenetic location: 15q26.3.
Variant type: single nucleotide variant.
Coding change: c.2119G>A on transcript NM_001040616.3 (MANE Select); coding-DNA position 2119, G replaced by A.
Protein change: p.Gly707Arg; replaces glycine 707 with arginine.
Molecular consequence: missense variant. On other transcripts: non-coding transcript variant (3).
Genome position (GRCh38, 1-based): chr15:100,569,393, C>T on the plus strand (G>A on the coding strand, the complement: LINS1 is on the minus strand). VCF-style: chr15-100569393-C-T. GRCh37 (hg19) VCF-style: chr15-101109598-C-T.
Other names: c.1372G>A, p.Gly458Arg (NM_001352507.2); c.1966G>A, p.Gly656Arg (NM_001352508.2); short protein forms G707R, G656R, G458R.
Identifiers: ClinVar variation 129484 (VCV000129484.26), dbSNP rs74039425, ClinGen allele CA231235.